The following is an entry in ClinVar:

NM_002474.3(MYH11):c.3443T>A (p.Leu1148Gln)

Gene: MYH11 (myosin heavy chain 11; minus strand). Cytogenetic location: 16p13.11.
Variant type: single nucleotide variant.
Coding change: c.3443T>A on transcript NM_002474.3 (MANE Select); coding-DNA position 3443, T replaced by A.
Protein change: p.Leu1148Gln; replaces leucine 1148 with glutamine.
Molecular consequence: missense variant.
Genome position (GRCh38, 1-based): chr16:15,735,429, A>T on the plus strand (T>A on the coding strand, the complement: MYH11 is on the minus strand). VCF-style: chr16-15735429-A-T. GRCh37 (hg19) VCF-style: chr16-15829286-A-T.
Other names: c.3443T>A (NM_002474.2); c.3464T>A, p.Leu1155Gln (NM_001040113.2, NM_001040114.2); c.3443T>A, p.Leu1148Gln (NM_022844.3); short protein forms L1155Q, L1148Q.
Identifiers: ClinVar variation 405473 (VCV000405473.15), dbSNP rs1060500726, ClinGen allele CA16615018.

ClinVar aggregate classification (germline): Uncertain significance. Review status: criteria provided, multiple submitters, no conflicts (2 of 4 stars). 4 submissions from 4 submitters: Uncertain significance (4). Last evaluated 2026-02-23.

Conditions:
Familial thoracic aortic aneurysm and aortic dissection (TAAD). Also called: Thoracic aortic aneurysms and dissections. Identifiers: Orphanet 91387, MedGen C4707243, MONDO:0019625.
Aortic aneurysm, familial thoracic 4 (AAT4). Also called: AORTIC ANEURYSM/AORTIC DISSECTION AND PATENT DUCTUS ARTERIOSUS. Identifiers: MedGen C1851504, MONDO:0007568, OMIM 132900.

Allele frequency attached by ClinVar (database versions not stated): gnomAD exomes below 0.00001; TOPMed below 0.00001.
gnomAD v4.1: 3 of 1,614,000 alleles (0.00019%); highest among the groups gnomAD compares: Non-Finnish European, 0.00025%; no homozygotes.

Submissions (4):

GeneDx
Classification: Uncertain significance. Last evaluated: 2026-02-23. Review status: criteria provided, single submitter. Criteria: GeneDx Variant Classification Process June 2021. Collection method: clinical testing. Allele origin: germline.
Comment: Not observed at significant frequency in large population cohorts (gnomAD); In silico analysis supports that this missense variant has a deleterious effect on protein structure/function; Has not been previously published as pathogenic or benign to our knowledge

Blueprint Genetics
Classification: Uncertain significance. Last evaluated: 2024-11-25. Review status: criteria provided, single submitter. Criteria: ACMG Guidelines, 2015. Collection method: clinical testing. Allele origin: germline.

Labcorp Genetics (formerly Invitae), Labcorp
Classification: Uncertain significance for Aortic aneurysm, familial thoracic 4. Last evaluated: 2024-06-17. Review status: criteria provided, single submitter. Criteria: Invitae Variant Classification Sherloc (09022015). Collection method: clinical testing. Allele origin: germline.
Comment: This sequence change replaces leucine, which is neutral and non-polar, with glutamine, which is neutral and polar, at codon 1155 of the MYH11 protein (p.Leu1155Gln). This variant is not present in population databases (gnomAD no frequency). This variant has not been reported in the literature in individuals affected with MYH11-related conditions. ClinVar contains an entry for this variant (Variation ID: 405473). Advanced modeling of protein sequence and biophysical properties (such as structural, functional, and spatial information, amino acid conservation, physicochemical variation, residue mobility, and thermodynamic stability) performed at Invitae indicates that this missense variant is not expected to disrupt MYH11 protein function with a negative predictive value of 80%. In summary, the available evidence is currently insufficient to determine the role of this variant in disease. Therefore, it has been classified as a Variant of Uncertain Significance.

Color Diagnostics, LLC DBA Color Health
Classification: Uncertain significance for Familial thoracic aortic aneurysm and aortic dissection. Last evaluated: 2024-03-06. Review status: criteria provided, single submitter. Criteria: ACMG Guidelines, 2015. Collection method: clinical testing. Allele origin: germline.
Comment: This missense variant replaces leucine with glutamine at codon 1155 of the MYH11 protein. Computational prediction suggests that this variant may have deleterious impact on protein structure and function (internally defined REVEL score threshold >= 0.7, PMID: 27666373). To our knowledge, functional studies have not been reported for this variant. This variant has not been reported in individuals affected with cardiovascular disorders in the literature. This variant has not been identified in the general population by the Genome Aggregation Database (gnomAD). The available evidence is insufficient to determine the role of this variant in disease conclusively. Therefore, this variant is classified as a Variant of Uncertain Significance.